The following is an entry in ClinVar:

NM_004208.4(AIFM1):c.602G>A (p.Arg201Lys)

Genes: AIFM1 (apoptosis inducing factor mitochondria associated 1; minus strand), RAB33A (RAB33A, member RAS oncogene family; plus strand). Cytogenetic location: Xq26.1.
Variant type: single nucleotide variant.
Coding change: c.602G>A on transcript NM_004208.4 (MANE Select); coding-DNA position 602, G replaced by A.
Protein change: p.Arg201Lys; replaces arginine 201 with lysine.
Molecular consequence: missense variant. On other transcripts: non-coding transcript variant (1).
Genome position (GRCh38, 1-based): chrX:130,147,496, C>T on the plus strand (G>A on the coding strand, the complement: AIFM1 is on the minus strand). VCF-style: chrX-130147496-C-T. GRCh37 (hg19) VCF-style: chrX-129281471-C-T.
Other names: c.602G>A, p.Arg201Lys (NM_001130847.4); c.590G>A, p.Arg197Lys (NM_145812.3); short protein forms R201K, R197K.
Identifiers: ClinVar variation 427033 (VCV000427033.13), dbSNP rs886703882, ClinGen allele CA335122829.

ClinVar aggregate classification (germline): Uncertain significance. Review status: criteria provided, multiple submitters, no conflicts (2 of 4 stars). 4 submissions from 4 submitters: Uncertain significance (4). Last evaluated 2024-11-13.

Conditions:
Charcot-Marie-Tooth disease. Also called: Charcot-Marie-Tooth Hereditary Neuropathy; Charcot-Marie-Tooth Neuropathy. Identifiers: Orphanet 166, MedGen C0007959, MONDO:0015626.
Inborn genetic diseases. Identifiers: MedGen C0950123, MeSH D030342.
Combined oxidative phosphorylation deficiency. Identifiers: MedGen C4540031, MONDO:0000732.
Charcot-Marie-Tooth Neuropathy X. Identifiers: MedGen CN118851.

Allele frequency attached by ClinVar (database versions not stated): TOPMed below 0.00001; gnomAD exomes 0.00001.
gnomAD v4.1: 11 of 1,211,951 alleles (0.00091%); highest among the groups gnomAD compares: South Asian, 0.016%; no homozygotes.

Submissions (4):

GeneDx
Classification: Uncertain significance. Last evaluated: 2024-11-13. Review status: criteria provided, single submitter. Criteria: GeneDx Variant Classification Process June 2021. Collection method: clinical testing. Allele origin: germline. Affected: yes.
Comment: Not observed at significant frequency in large population cohorts (gnomAD); In silico analysis supports that this missense variant has a deleterious effect on protein structure/function; Has not been previously published as pathogenic or benign to our knowledge

Labcorp Genetics (formerly Invitae), Labcorp
Classification: Uncertain significance for Charcot-Marie-Tooth Neuropathy X; Combined oxidative phosphorylation deficiency. Last evaluated: 2023-10-15. Review status: criteria provided, single submitter. Criteria: Invitae Variant Classification Sherloc (09022015). Collection method: clinical testing. Allele origin: germline.
Comment: This sequence change replaces arginine, which is basic and polar, with lysine, which is basic and polar, at codon 201 of the AIFM1 protein (p.Arg201Lys). This variant is not present in population databases (gnomAD no frequency). This variant has not been reported in the literature in individuals affected with AIFM1-related conditions. ClinVar contains an entry for this variant (Variation ID: 427033). Advanced modeling of protein sequence and biophysical properties (such as structural, functional, and spatial information, amino acid conservation, physicochemical variation, residue mobility, and thermodynamic stability) has been performed at Invitae for this missense variant, however the output from this modeling did not meet the statistical confidence thresholds required to predict the impact of this variant on AIFM1 protein function. In summary, the available evidence is currently insufficient to determine the role of this variant in disease. Therefore, it has been classified as a Variant of Uncertain Significance.

Ambry Genetics
Classification: Uncertain significance for Inborn genetic diseases. Last evaluated: 2022-04-21. Review status: criteria provided, single submitter. Criteria: Ambry Variant Classification Scheme 2023. Collection method: clinical testing. Allele origin: germline.
Comment: The p.R201K variant (also known as c.602G>A), located in coding exon 5 of the AIFM1 gene, results from a G to A substitution at nucleotide position 602. The arginine at codon 201 is replaced by lysine, an amino acid with highly similar properties. This amino acid position is highly conserved in available vertebrate species. In addition, the in silico prediction for this alteration is inconclusive. Since supporting evidence is limited at this time, the clinical significance of this alteration remains unclear.

Molecular Genetics Laboratory, London Health Sciences Centre
Classification: Uncertain significance for Charcot-Marie-Tooth disease. Review status: criteria provided, single submitter. Criteria: ACMG Guidelines, 2015. Collection method: clinical testing. Allele origin: germline. Affected: yes.